The following is an entry in ClinVar:

ClinVar aggregate classification (germline): Uncertain significance (1 of 4 stars; one submission).

Submission:

GeneDx
Classification: Uncertain significance. Last evaluated: 2020-01-06. Review status: criteria provided, single submitter. Criteria: GeneDx Variant Classification Process June 2021. Collection method: clinical testing. Allele origin: germline. Affected: yes.
Comment: Not observed in large population cohorts (Lek et al., 2016); In silico analysis, which includes protein predictors and evolutionary conservation, supports that this variant does not alter protein structure/function; Has not been previously published as pathogenic or benign to our knowledge

NM_001190274.2(FBXO11):c.2377G>A (p.Gly793Ser)

Genes: FBXO11 (F-box protein 11; minus strand), MSH6 (mutS homolog 6; plus strand). Cytogenetic location: 2p16.3.
Variant type: single nucleotide variant.
Coding change: c.2377G>A on transcript NM_001190274.2 (MANE Select); coding-DNA position 2377, G replaced by A.
Protein change: p.Gly793Ser; replaces glycine 793 with serine.
Molecular consequence: missense variant.
Genome position (GRCh38, 1-based): chr2:47,809,669, C>T on the plus strand (G>A on the coding strand, the complement: FBXO11 is on the minus strand). VCF-style: chr2-47809669-C-T. GRCh37 (hg19) VCF-style: chr2-48036808-C-T.
Other names: c.2125G>A, p.Gly709Ser (NM_001374325.1, NM_025133.4); short protein forms G709S, G793S.
Identifiers: ClinVar variation 1311854 (VCV001311854.2), dbSNP rs2104626270, ClinGen allele CA346762780.